The following is an entry in ClinVar:

NM_012079.6(DGAT1):c.1202G>A (p.Trp401Ter)

Gene: DGAT1 (diacylglycerol O-acyltransferase 1; minus strand). Cytogenetic location: 8q24.3.
Variant type: single nucleotide variant.
Coding change: c.1202G>A on transcript NM_012079.6 (MANE Select); coding-DNA position 1202, G replaced by A.
Protein change: p.Trp401Ter; replaces tryptophan 401 with a stop codon.
Molecular consequence: nonsense.
Genome position (GRCh38, 1-based): chr8:144,317,068, C>T on the plus strand (G>A on the coding strand, the complement: DGAT1 is on the minus strand). VCF-style: chr8-144317068-C-T. GRCh37 (hg19) VCF-style: chr8-145540731-C-T.
Other names: short protein forms W401*.
Identifiers: ClinVar variation 3255347 (VCV003255347.1).

ClinVar aggregate classification (germline): Pathogenic (1 of 4 stars; one submission).

Conditions:
Congenital diarrhea 7 with exudative enteropathy. Also called: Diarrhea 7. Identifiers: Orphanet 329242, MedGen C4014516, MONDO:0014375, OMIM 615863.

Submission:

Aleixo Muise Laboratory, Hospital For Sick Children
Classification: Pathogenic for Congenital diarrhea 7 with exudative enteropathy. Last evaluated: 2024-07-05. Review status: criteria provided, single submitter. Criteria: ACMG Guidelines, 2015. Collection method: research. Allele origin: germline. Affected: yes. Observed: 1 variant allele.
Comment: PVS1;PM2;PM3;PM5;PP3;PP4